The following is an entry in ClinVar:

NM_000256.3(MYBPC3):c.624G>C (p.Gln208His)

Gene: MYBPC3 (myosin binding protein C3; minus strand). Cytogenetic location: 11p11.2.
Variant type: single nucleotide variant.
Coding change: c.624G>C on transcript NM_000256.3 (MANE Select); coding-DNA position 624, G replaced by C.
Protein change: p.Gln208His; replaces glutamine 208 with histidine.
Molecular consequence: missense variant.
Genome position (GRCh38, 1-based): chr11:47,349,804, C>G on the plus strand (G>C on the coding strand, the complement: MYBPC3 is on the minus strand). VCF-style: chr11-47349804-C-G. GRCh37 (hg19) VCF-style: chr11-47371355-C-G.
Other names: p.Q208H:CAG>CAC; short protein forms Q208H.
Identifiers: ClinVar variation 42775 (VCV000042775.45), dbSNP rs202139499, ClinGen allele CA015552.

ClinVar aggregate classification (germline): Conflicting classifications of pathogenicity. Review status: criteria provided, conflicting classifications (1 of 4 stars). 20 submissions from 19 submitters: Uncertain significance (9); Likely benign (9). 2 of the submissions do not count toward it. Last evaluated 2026-04-17.

Conditions:
MYBPC3-related disorder. Also called: MYBPC3-related disorders; MYBPC3-related condition; MYBPC3-related disease.
Hypertrophic cardiomyopathy 4. Also called: Familial hypertrophic cardiomyopathy 4. Identifiers: MedGen C1861862, MONDO:0007268, OMIM 115197.
Left ventricular noncompaction 10 (LVNC10). Identifiers: Orphanet 154, Orphanet 54260, MedGen C3715165, MONDO:0014163, OMIM 615396.
Cardiovascular phenotype. Identifiers: MedGen CN230736.
Cardiomyopathy (CMYO). Also called: Cardiomyopathies. Identifiers: Orphanet 167848, MedGen C0878544, MONDO:0004994, HP:0001638. Inheritance: Various modes of inheritance.
Primary familial hypertrophic cardiomyopathy (HCM). Identifiers: Orphanet 99739, MedGen C0949658, MeSH D024741, MONDO:0024573. Inheritance: Various modes of inheritance.
Hypertrophic cardiomyopathy. Also called: HYPERTROPHIC MYOCARDIOPATHY. Identifiers: Orphanet 217569, MedGen C0007194, MeSH D002312, MONDO:0005045, HP:0001639.

Allele frequency attached by ClinVar (database versions not stated): gnomAD exomes 0.00011 and 0.00023; TOPMed 0.00014; ExAC 0.00016; gnomAD 0.00017 and 0.00020; ESP Exome Variant Server 0.00039.
gnomAD v4.1: 209 of 1,609,666 alleles (0.013%); highest among the groups gnomAD compares: Middle Eastern, 0.3%; 3 homozygotes.

Submissions (20):

Women's Health and Genetics/Laboratory Corporation of America, LabCorp
Classification: Likely benign. Last evaluated: 2026-04-17. Review status: criteria provided, single submitter. Criteria: LabCorp Variant Classification Summary - May 2015. Collection method: clinical testing. Allele origin: germline.
Comment: Variant summary: MYBPC3 c.624G>C (p.Gln208His) results in a non-conservative amino acid change in the encoded protein sequence. Algorithms developed to predict the effect of missense changes on protein structure and function all suggest that this variant is likely to be disruptive. The variant allele was found at a frequency of 0.00013 in 1609666 control chromosomes, predominantly at a frequency of 0.005 within the Non-Finnish European subpopulation in the gnomAD database, including 3 homozygotes. The observed variant frequency within Non-Finnish European control individuals in the gnomAD database exceeds the estimated maximal expected allele frequency for disease-causing variants in MYBPC3. c.624G>C has been observed in individual(s) affected with Hypertrophic Cardiomyopathy or conduction disease, without strong evidence for causality (example, Robyns_2020, Kurzlechner_2022, Chumakova_2023, Horgan_2025, Arad_2014, McGurk_2023). In addition, the variant has been reported in a Saudi Arabian cohort of individuals who lacked the reported phenotype with an allele frequency of ~0.03, including 1 homozygote (Abouelhoda_2016). These report(s) do not provide unequivocal conclusions about association of the variant with Hypertrophic Cardiomyopathy. To our knowledge, no experimental evidence demonstrating an impact on protein function has been reported. The following publications have been ascertained in the context of this evaluation (PMID: 27884173, 31513939, 35629155, 38002985, 39694818, 25558701, 37652022). ClinVar contains an entry for this variant (Variation ID: 42775). Based on the evidence outlined above, the variant was classified as likely benign.

PreventionGenetics, part of Exact Sciences
Classification: Likely benign for MYBPC3-related condition. Last evaluated: 2026-02-03. Review status: criteria provided, single submitter. Criteria: ACMG Guidelines, 2015. Collection method: clinical testing. Allele origin: germline.
Comment: This variant is classified as likely benign based on ACMG/AMP sequence variant interpretation guidelines (Richards et al. 2015 PMID: 25741868, with internal and published modifications).

Labcorp Genetics (formerly Invitae), Labcorp
Classification: Likely benign for Hypertrophic cardiomyopathy. Last evaluated: 2026-01-26. Review status: criteria provided, single submitter. Criteria: Invitae Variant Classification Sherloc (09022015). Collection method: clinical testing. Allele origin: germline.

Molecular Diagnostic Laboratory for Inherited Cardiovascular Disease, Montreal Heart Institute
Classification: Likely benign. Last evaluated: 2025-04-09. Review status: criteria provided, single submitter. Criteria: ACMG Guidelines, 2015. Collection method: clinical testing. Allele origin: germline. Affected: no.

Blueprint Genetics
Classification: Likely benign. Last evaluated: 2024-11-26. Review status: criteria provided, single submitter. Criteria: ACMG Guidelines, 2015. Collection method: clinical testing. Allele origin: germline.

Mayo Clinic Laboratories, Mayo Clinic
Classification: Uncertain significance. Last evaluated: 2023-01-13. Review status: criteria provided, single submitter. Criteria: ACMG Guidelines, 2015. Collection method: clinical testing. Allele origin: germline. Observed: 2 variant alleles.

CHEO Genetics Diagnostic Laboratory, Children's Hospital of Eastern Ontario
Classification: Uncertain significance for Cardiomyopathy. Last evaluated: 2023-01-03. Review status: criteria provided, single submitter. Criteria: ACMG Guidelines, 2015. Collection method: clinical testing. Allele origin: germline.

GeneDx
Classification: Likely benign. Last evaluated: 2020-09-11. Review status: criteria provided, single submitter. Criteria: GeneDx Variant Classification Process June 2021. Collection method: clinical testing. Allele origin: germline. Affected: yes.
Comment: This variant is associated with the following publications: (PMID: 24033266, 21415409, 23299917, 23861362, 27153395, 27884173, 25637381, 22958901, 25558701, 28518168, 31513939)

Department of Pathology and Laboratory Medicine, Sinai Health System
Classification: Uncertain significance for Hypertrophic cardiomyopathy 4; Left ventricular noncompaction 10. Last evaluated: 2020-08-25. Review status: criteria provided, single submitter. Criteria: ACMG Guidelines, 2015. Collection method: research. Allele origin: germline.

Mendelics
Classification: Uncertain significance for Hypertrophic cardiomyopathy 4. Last evaluated: 2019-05-28. Review status: criteria provided, single submitter. Criteria: Mendelics Assertion Criteria 2017. Collection method: clinical testing. Allele origin: unknown.

Center for Human Genetics, University of Leuven
Classification: Uncertain significance for Hypertrophic cardiomyopathy. Last evaluated: 2018-10-31. Review status: criteria provided, single submitter. Criteria: ACMG Guidelines, 2015. Collection method: clinical testing. Allele origin: germline. Affected: yes.

Color Diagnostics, LLC DBA Color Health
Classification: Likely benign for Cardiomyopathy. Last evaluated: 2018-07-02. Review status: criteria provided, single submitter. Criteria: ACMG Guidelines, 2015. Collection method: clinical testing. Allele origin: germline.

Ambry Genetics
Classification: Likely benign for Cardiovascular phenotype. Last evaluated: 2018-04-19. Review status: criteria provided, single submitter. Criteria: Ambry Variant Classification Scheme 2023. Collection method: clinical testing. Allele origin: germline.

Illumina Laboratory Services, Illumina
Classification: Likely benign for Left ventricular noncompaction 10. Last evaluated: 2017-04-27. Review status: criteria provided, single submitter. Criteria: ICSL Variant Classification Criteria 13 December 2019. Collection method: clinical testing. Allele origin: germline.
Comment: This variant was observed as part of a predisposition screen in an ostensibly healthy population. A literature search was performed for the gene, cDNA change, and amino acid change (where applicable). No publications were found based on this search. Allele frequency data from public databases allowed determination this variant is unlikely to cause disease. Therefore, this variant is classified as likely benign.

Illumina Laboratory Services, Illumina
Classification: Uncertain significance for Hypertrophic cardiomyopathy 4. Last evaluated: 2017-04-27. Review status: criteria provided, single submitter. Criteria: ICSL Variant Classification Criteria 13 December 2019. Collection method: clinical testing. Allele origin: germline.

Laboratory for Molecular Medicine, Mass General Brigham Personalized Medicine
Classification: Uncertain significance. Last evaluated: 2016-04-25. Review status: criteria provided, single submitter. Criteria: LMM Criteria. Collection method: clinical testing. Allele origin: germline. Observed: 5 variant alleles.
Comment: Variant classified as Uncertain Significance - Favor Pathogenic. The p.Gln208His variant in MYBPC3 has been previously identified by our laboratory in 3 individ uals with HCM. It has also been identified in 17/62206 European chromosomes by the Exome Aggregati on Consortium (ExAC; dbSNP rs202139499). This va riant was predicted to be benign using a computational tool clinically validated by our laboratory. This tool's benign prediction is estimated to be correct 89% of the time (Jordan 2011). In summary, while there is some suspicion for a path ogenic role, the clinical significance of the p.Gln208His variant is uncertain.

Biesecker Lab/Clinical Genomics Section, National Institutes of Health
Classification: Uncertain significance. Last evaluated: 2013-06-24. Review status: criteria provided, single submitter. Criteria: Ng et al. (Circ Cardiovasc Genet. 2013). Collection method: research. Allele origin: unknown. Observed: 1 variant allele. Study: ClinSeq.
Comment: The study set was not selected for affection status in relation to any cancer. Pathogenicity categories were based on literature curation. See Pubmed ID:23861362 for details.

Medical sequencing

Stanford Center for Inherited Cardiovascular Disease, Stanford University
Classification: Uncertain significance. Last evaluated: 2012-03-05. Review status: criteria provided, single submitter. Criteria: ACMG Guidelines, 2015. Collection method: provider interpretation. Allele origin: germline.

Cohesion Phenomics
Classification: Likely benign for Hypertrophic Cardiomyopathy. Last evaluated: 2022-09-27. Review status: no assertion criteria provided. Criteria: ACMG Guidelines, 2015. Collection method: clinical testing. Allele origin: germline. Affected: yes. Not counted in ClinVar's aggregate classification.

CSER _CC_NCGL, University of Washington
Classification: Uncertain significance for Cardiomyopathy, hypertrophic. Last evaluated: 2014-06-01. Review status: no assertion criteria provided. Collection method: research. Allele origin: germline. Inheritance: Autosomal dominant inheritance. Study: ESP 6500 variant annotation. Not counted in ClinVar's aggregate classification.
Comment: Variants classified for the Actionable exomic incidental findings in 6503 participants: challenges of variant classification manuscript

Literature cited by the submitters: PubMed 25558701 (cited by Women's Health and Genetics/Laboratory Corporation of America, LabCorp and Mayo Clinic Laboratories, Mayo Clinic); PubMed 27884173 (cited by Women's Health and Genetics/Laboratory Corporation of America, LabCorp and Mayo Clinic Laboratories, Mayo Clinic); PubMed 31513939 (cited by Women's Health and Genetics/Laboratory Corporation of America, LabCorp and Mayo Clinic Laboratories, Mayo Clinic); PubMed 35629155 (cited by Women's Health and Genetics/Laboratory Corporation of America, LabCorp); PubMed 37652022 (cited by Women's Health and Genetics/Laboratory Corporation of America, LabCorp); PubMed 38002985 (cited by Women's Health and Genetics/Laboratory Corporation of America, LabCorp); PubMed 39694818 (cited by Women's Health and Genetics/Laboratory Corporation of America, LabCorp); PubMed 21415409 (cited by 3 submitters); PubMed 23299917 (cited by Mayo Clinic Laboratories, Mayo Clinic and Ambry Genetics); PubMed 23861362 (cited by Mayo Clinic Laboratories, Mayo Clinic and Laboratory for Molecular Medicine, Mass General Brigham Personalized Medicine); PubMed 25637381 (cited by Mayo Clinic Laboratories, Mayo Clinic); PubMed 27153395 (cited by Mayo Clinic Laboratories, Mayo Clinic); PubMed 28518168 (cited by Mayo Clinic Laboratories, Mayo Clinic); PubMed 18926831 (cited by Laboratory for Molecular Medicine, Mass General Brigham Personalized Medicine).